The following is an entry in ClinVar:

ClinVar aggregate classification (germline): Benign/Likely benign. Review status: criteria provided, multiple submitters, no conflicts (2 of 4 stars). 4 submissions from 4 submitters: Benign (2); Likely benign (1). 1 of the submissions does not count toward it. Last evaluated 2026-02-03.

Conditions:
PLEKHM2-related disorder. Also called: PLEKHM2-related condition.

Allele frequency attached by ClinVar (database versions not stated): gnomAD 0.00122 and 0.00132; ExAC 0.01257.
gnomAD v4.1: 7,977 of 1,244,082 alleles (0.64%); highest among the groups gnomAD compares: South Asian, 0.92%; 12 homozygotes.

Submissions (4):

Labcorp Genetics (formerly Invitae), Labcorp
Classification: Benign. Last evaluated: 2026-02-03. Review status: criteria provided, single submitter. Criteria: Invitae Variant Classification Sherloc (09022015). Collection method: clinical testing. Allele origin: germline.

Blueprint Genetics
Classification: Likely benign. Last evaluated: 2024-11-25. Review status: criteria provided, single submitter. Criteria: ACMG Guidelines, 2015. Collection method: clinical testing. Allele origin: germline.

Breakthrough Genomics
Classification: Benign. Review status: criteria provided, single submitter. Criteria: ACMG Guidelines, 2015. Collection method: not provided. Allele origin: germline. Inheritance: Unknown mechanism. Affected: yes.

PreventionGenetics, part of Exact Sciences
Classification: Likely benign for PLEKHM2-related condition. Last evaluated: 2021-05-03. Review status: no assertion criteria provided. Collection method: clinical testing. Allele origin: germline. Not counted in ClinVar's aggregate classification.
Comment: This variant is classified as likely benign based on ACMG/AMP sequence variant interpretation guidelines (Richards et al. 2015 PMID: 25741868, with internal and published modifications).

NM_015164.4(PLEKHM2):c.61-7C>T

Gene: PLEKHM2 (pleckstrin homology and RUN domain containing M2; plus strand). Cytogenetic location: 1p36.21.
Variant type: single nucleotide variant.
Coding change: c.61-7C>T on transcript NM_015164.4 (MANE Select); 7 bases into the intron before coding-DNA position 61, C replaced by T.
Molecular consequence: intron variant.
Genome position (GRCh38, 1-based): chr1:15,716,230, C>T. VCF-style: chr1-15716230-C-T. GRCh37 (hg19) VCF-style: chr1-16042725-C-T.
Identifiers: ClinVar variation 478103 (VCV000478103.14), dbSNP rs76932674, ClinGen allele CA616587.
Genomic context (GRCh38, chr1:15,716,230, plus strand): 5'-ATTCCAGAACTTTTGTAGCCTTCCTCTTAATCCATTTCTGATTTGGAGGTGTTTTTTTTT[C>T]TTTCAGTTGCAGAGCTATTTTGCTGCATGTGAGGATGAGATCCCTGCCATCCGGAACCAT-3'